The following is an entry in ClinVar:

ClinVar aggregate classification (germline): Conflicting classifications of pathogenicity. Review status: criteria provided, conflicting classifications (1 of 4 stars). 3 submissions from 3 submitters: Uncertain significance (1); Likely benign (2). Last evaluated 2025-10-06.

Conditions:
Juvenile polyposis syndrome (JPS). Identifiers: Orphanet 2929, MedGen C0345893, MONDO:0017380, OMIM 174900.
Hereditary cancer-predisposing syndrome. Also called: Hereditary neoplastic syndrome; Neoplastic Syndromes, Hereditary; Tumor predisposition; Hereditary Cancer Syndrome. Identifiers: Orphanet 140162, MedGen C0027672, MeSH D009386, MONDO:0015356.

Allele frequency attached by ClinVar (database versions not stated): gnomAD exomes below 0.00001 and 0.00001; TOPMed below 0.00001; gnomAD 0.00001.
gnomAD v4.1: 2 of 1,613,958 alleles (0.00012%); highest among the groups gnomAD compares: Non-Finnish European, 0.00017%; no homozygotes.

Submissions (3):

Labcorp Genetics (formerly Invitae), Labcorp
Classification: Uncertain significance for Juvenile polyposis syndrome. Last evaluated: 2025-10-06. Review status: criteria provided, single submitter. Criteria: Invitae Variant Classification Sherloc (09022015). Collection method: clinical testing. Allele origin: germline.
Comment: This sequence change falls in intron 4 of the BMPR1A gene. It does not directly change the encoded amino acid sequence of the BMPR1A protein. It affects a nucleotide within the consensus splice site. This variant is present in population databases (no rsID available, gnomAD 0.002%). This variant has not been reported in the literature in individuals affected with BMPR1A-related conditions. ClinVar contains an entry for this variant (Variation ID: 411613). Variants that disrupt the consensus splice site are a relatively common cause of aberrant splicing (PMID: 17576681, 9536098). Algorithms developed to predict the effect of sequence changes on RNA splicing suggest that this variant is not likely to affect RNA splicing. In summary, the available evidence is currently insufficient to determine the role of this variant in disease. Therefore, it has been classified as a Variant of Uncertain Significance.

Ambry Genetics
Classification: Likely benign for Hereditary cancer-predisposing syndrome. Last evaluated: 2021-09-03. Review status: criteria provided, single submitter. Criteria: Ambry Variant Classification Scheme 2023. Collection method: clinical testing. Allele origin: germline.

Color Diagnostics, LLC DBA Color Health
Classification: Likely benign for Hereditary cancer-predisposing syndrome. Last evaluated: 2017-05-05. Review status: criteria provided, single submitter. Criteria: ACMG Guidelines, 2015. Collection method: clinical testing. Allele origin: germline.

Literature cited by the submitters: PubMed 17576681 (cited by Labcorp Genetics (formerly Invitae), Labcorp); PubMed 9536098 (cited by Labcorp Genetics (formerly Invitae), Labcorp).

NM_004329.3(BMPR1A):c.230+3A>G

Gene: BMPR1A (bone morphogenetic protein receptor type 1A; plus strand). Cytogenetic location: 10q23.2.
Variant type: single nucleotide variant.
Coding change: c.230+3A>G on transcript NM_004329.3 (MANE Select); 3 bases into the intron after coding-DNA position 230, A replaced by G.
Molecular consequence: intron variant.
Genome position (GRCh38, 1-based): chr10:86,890,227, A>G. VCF-style: chr10-86890227-A-G. GRCh37 (hg19) VCF-style: chr10-88649984-A-G.
Identifiers: ClinVar variation 411613 (VCV000411613.15), dbSNP rs1060503393, ClinGen allele CA16612865.
Genomic context (GRCh38, chr10:86,890,227, plus strand): 5'-TTTTAAAGTGCTATTGCTCAGGGCACTGTCCAGATGATGCTATTAATAACACATGCATGT[A>G]AGTATTTTATGCAGCCCTTCTTAAGAGTTAGGAGAATAGAGTTGCATTTAGTGCTATTTT-3'